The following is an entry in ClinVar:

ClinVar aggregate classification (germline): Uncertain significance. Review status: criteria provided, multiple submitters, no conflicts (2 of 4 stars). 2 submissions from 2 submitters: Uncertain significance (2). Last evaluated 2026-06-29.

Conditions:
Inborn genetic diseases. Identifiers: MedGen C0950123, MeSH D030342.
KDM1A-related disorder. Also called: KDM1A-related condition.

Submissions (2):

PreventionGenetics, part of Exact Sciences
Classification: Uncertain significance for KDM1A-related condition. Last evaluated: 2026-06-29. Review status: criteria provided, single submitter. Criteria: ACMG Guidelines, 2015. Collection method: clinical testing. Allele origin: germline.
Comment: The KDM1A c.2251T>A variant is predicted to result in the amino acid substitution p.Cys751Ser. To our knowledge, this variant has not been reported in the literature or in a large population database (gnomAD), indicating this variant is rare. At this time, the clinical significance of this variant is uncertain due to the absence of conclusive functional and genetic evidence.

Ambry Genetics
Classification: Uncertain significance for Inborn genetic diseases. Last evaluated: 2025-02-27. Review status: criteria provided, single submitter. Criteria: Ambry Variant Classification Scheme 2023. Collection method: clinical testing. Allele origin: germline.
Comment: The p.C751S variant (also known as c.2251T>A), located in coding exon 19 of the KDM1A gene, results from a T to A substitution at nucleotide position 2251. The cysteine at codon 751 is replaced by serine, an amino acid with dissimilar properties. This amino acid position is conserved. In addition, this alteration is predicted to be deleterious by in silico analysis. Based on the available evidence, the clinical significance of this variant remains unclear.

NM_001009999.3(KDM1A):c.2251T>A (p.Cys751Ser)

Gene: KDM1A (lysine demethylase 1A; plus strand). Cytogenetic location: 1p36.12.
Variant type: single nucleotide variant.
Coding change: c.2251T>A on transcript NM_001009999.3 (MANE Select); coding-DNA position 2251, T replaced by A.
Protein change: p.Cys751Ser; replaces cysteine 751 with serine.
Molecular consequence: missense variant.
Genome position (GRCh38, 1-based): chr1:23,081,526, T>A. VCF-style: chr1-23081526-T-A. GRCh37 (hg19) VCF-style: chr1-23408019-T-A.
Other names: c.2197T>A, p.Cys733Ser (NM_001363654.2); c.2257T>A, p.Cys753Ser (NM_001410762.1); c.2179T>A, p.Cys727Ser (NM_001410763.1, NM_015013.4); short protein forms C751S, C727S, C733S, C753S.
Identifiers: ClinVar variation 3863349 (VCV003863349.2).
Genomic context (GRCh38, chr1:23,081,526, plus strand): 5'-GTGGCAGGAGAAGCTGCTGGTATCATGGAAAACATAAGTGACGATGTGATTGTTGGCCGA[T>A]GCCTGGCCATTCTCAAAGGGATTTTTGGTAGCAGTGCAGTACCTCAGGTAAGTAGGTAGG-3'
Protein context (NP_001009999.1, residues 741-761): NISDDVIVGR[Cys751Ser]LAILKGIFGS